The following is an entry in ClinVar:

NM_024757.5(EHMT1):c.466C>G (p.Pro156Ala)

Gene: EHMT1 (euchromatic histone lysine methyltransferase 1; plus strand). Cytogenetic location: 9q34.3.
Variant type: single nucleotide variant.
Coding change: c.466C>G on transcript NM_024757.5 (MANE Select); coding-DNA position 466, C replaced by G.
Protein change: p.Pro156Ala; replaces proline 156 with alanine.
Molecular consequence: missense variant.
Genome position (GRCh38, 1-based): chr9:137,717,006, C>G. VCF-style: chr9-137717006-C-G. GRCh37 (hg19) VCF-style: chr9-140611458-C-G.
Other names: c.466C>G, p.Pro156Ala (NM_001145527.2, NM_001354263.2, NM_001354611.2); c.373C>G, p.Pro125Ala (NM_001354259.2, NM_001354612.2); short protein forms P125A, P156A.
Identifiers: ClinVar variation 847420 (VCV000847420.12), dbSNP rs199913017, ClinGen allele CA5374314.
Genomic context (GRCh38, chr9:137,717,006, plus strand): 5'-CCCTTGAGGACTACCAGCACTCTGGCCTCTTCGCTGCCTGGCCATGCTGCAAAAACCCTT[C>G]CTGGAGGGGCTGGCAAAGGCAGGACTCCAAGCGCTTTTCCCCAGACGCCAGCCGCCCCAC-3'
Protein context (NP_079033.4, residues 146-166): SLPGHAAKTL[Pro156Ala]GGAGKGRTPS

ClinVar aggregate classification (germline): Likely benign. Review status: criteria provided, multiple submitters, no conflicts (2 of 4 stars). 3 submissions from 3 submitters: Likely benign (2). 1 of the submissions does not count toward it. Last evaluated 2025-11-17.

Conditions:
EHMT1-related disorder. Also called: EHMT1-related condition.
Inborn genetic diseases. Identifiers: MedGen C0950123, MeSH D030342.
Kleefstra syndrome 1 (KLEFS1). Identifiers: Orphanet 261494, MedGen C0795833, MONDO:0027407, OMIM 610253.

Allele frequency attached by ClinVar (database versions not stated): ExAC 0.00017; TOPMed 0.00004; ESP Exome Variant Server 0.00015.
gnomAD v4.1: 145 of 1,607,210 alleles (0.009%); highest among the groups gnomAD compares: Non-Finnish European, 0.011%; no homozygotes.

Submissions (3):

Labcorp Genetics (formerly Invitae), Labcorp
Classification: Likely benign for Kleefstra syndrome 1. Last evaluated: 2025-11-17. Review status: criteria provided, single submitter. Criteria: Invitae Variant Classification Sherloc (09022015). Collection method: clinical testing. Allele origin: germline.

Ambry Genetics
Classification: Likely benign for Inborn genetic diseases. Last evaluated: 2025-10-29. Review status: criteria provided, single submitter. Criteria: Ambry Variant Classification Scheme 2023. Collection method: clinical testing. Allele origin: germline.

PreventionGenetics, part of Exact Sciences
Classification: Uncertain significance for EHMT1-related condition. Last evaluated: 2024-08-09. Review status: no assertion criteria provided. Collection method: clinical testing. Allele origin: germline. Not counted in ClinVar's aggregate classification.
Comment: The EHMT1 c.466C>G variant is predicted to result in the amino acid substitution p.Pro156Ala. To our knowledge, this variant has not been reported in the literature. This variant is reported in 0.020% of alleles in individuals of European (Non-Finnish) descent in gnomAD, which may be too common to be a primary cause of disease. Although we suspect that this variant may be benign, at this time, the clinical significance of this variant is uncertain due to the absence of conclusive functional and genetic evidence.